The following is an entry in ClinVar:

NM_000204.5(CFI):c.424A>C (p.Lys142Gln)

Gene: CFI (complement factor I; minus strand). Cytogenetic location: 4q25.
Variant type: single nucleotide variant.
Coding change: c.424A>C on transcript NM_000204.5 (MANE Select); coding-DNA position 424, A replaced by C.
Protein change: p.Lys142Gln; replaces lysine 142 with glutamine.
Molecular consequence: missense variant. On other transcripts: non-coding transcript variant (3), intron variant (1).
Genome position (GRCh38, 1-based): chr4:109,764,595, T>G on the plus strand (A>C on the coding strand, the complement: CFI is on the minus strand). VCF-style: chr4-109764595-T-G. GRCh37 (hg19) VCF-style: chr4-110685751-T-G.
Other names: c.424A>C, p.Lys142Gln (NM_001318057.2, NM_001331035.2, NM_001375278.1 and 5 more transcripts); c.-127-2903A>C (NM_001375284.1); short protein forms K142Q.
Identifiers: ClinVar variation 903199 (VCV000903199.9), dbSNP rs762431670, ClinGen allele CA357863911.

ClinVar aggregate classification (germline): Uncertain significance. Review status: criteria provided, multiple submitters, no conflicts (2 of 4 stars). 4 submissions from 4 submitters: Uncertain significance (4). Last evaluated 2025-09-26.

Conditions:
Age related macular degeneration 13. Identifiers: MedGen C3809523, MONDO:0014189, OMIM 615439.
Factor I deficiency (CFID). Also called: Complement factor I deficiency. Identifiers: Orphanet 200418, MedGen C3463916, MONDO:0012594, OMIM 610984.
Atypical hemolytic-uremic syndrome with I factor anomaly. Also called: HEMOLYTIC UREMIC SYNDROME, ATYPICAL, SUSCEPTIBILITY TO, 3; AHUS, SUSCEPTIBILITY TO, 3. Identifiers: Orphanet 2134, MedGen C2752039, MONDO:0013041, OMIM 612923.
CFI-related disorder. Also called: CFI-related disorders; CFI-related condition. Identifiers: MedGen CN239325.

Allele frequency attached by ClinVar (database versions not stated): gnomAD 0.00001; TOPMed 0.00002.
gnomAD v4.1: 4 of 1,614,070 alleles (0.00025%); highest among the groups gnomAD compares: Non-Finnish European, 0.00034%; no homozygotes.

Submissions (4):

Genomenon, Inc
Classification: Uncertain significance for CFI-related disorder. Last evaluated: 2025-09-26. Review status: criteria provided, single submitter. Criteria: Genomenon Sequence Variant Interpretation Standards - Updated. Collection method: curation. Allele origin: germline. Affected: no.
Comment: CFI p.Lys142Gln (c.424A>C) is a missense variant that changes the amino acid at residue 142 from Lysine to Glutamine. To our knowledge, this variant has not been reported in patients affected with CFI-related disorders in the published literature. Functional studies have been reported; however, the significance of the findings remain unclear (20044478). It is absent or not present at a significant frequency in gnomAD. In silico models agree that this variant is not damaging. In conclusion, we classify CFI p.Lys142Gln (c.424A>C) as a variant of unknown significance.

Labcorp Genetics (formerly Invitae), Labcorp
Classification: Uncertain significance. Last evaluated: 2024-07-19. Review status: criteria provided, single submitter. Criteria: Invitae Variant Classification Sherloc (09022015). Collection method: clinical testing. Allele origin: germline.
Comment: This sequence change replaces lysine, which is basic and polar, with glutamine, which is neutral and polar, at codon 142 of the CFI protein (p.Lys142Gln). This variant is present in population databases (no rsID available, gnomAD 0.01%). This variant has not been reported in the literature in individuals affected with CFI-related conditions. ClinVar contains an entry for this variant (Variation ID: 903199). Advanced modeling of protein sequence and biophysical properties (such as structural, functional, and spatial information, amino acid conservation, physicochemical variation, residue mobility, and thermodynamic stability) performed at Invitae indicates that this missense variant is not expected to disrupt CFI protein function with a negative predictive value of 95%. In summary, the available evidence is currently insufficient to determine the role of this variant in disease. Therefore, it has been classified as a Variant of Uncertain Significance.

Fulgent Genetics
Classification: Uncertain significance for Factor I deficiency; Atypical hemolytic-uremic syndrome with I factor anomaly; Age related macular degeneration 13. Last evaluated: 2022-02-01. Review status: criteria provided, single submitter. Criteria: ACMG Guidelines, 2015. Collection method: clinical testing. Allele origin: unknown.

Illumina Laboratory Services, Illumina
Classification: Uncertain significance for Atypical hemolytic-uremic syndrome with I factor anomaly. Last evaluated: 2018-01-13. Review status: criteria provided, single submitter. Criteria: ICSL Variant Classification Criteria 13 December 2019. Collection method: clinical testing. Allele origin: germline.